The following is an entry in ClinVar:

ClinVar aggregate classification (germline): Likely benign. Review status: criteria provided, single submitter (1 of 4 stars). 4 submissions from 4 submitters: Likely benign (1). 3 of the submissions do not count toward it. Last evaluated 2025-09-02.

Conditions:
Inclusion body myopathy with early-onset Paget disease with or without frontotemporal dementia 2 (IBMPFD2). Also called: MULTISYSTEM PROTEINOPATHY 2. Identifiers: MedGen C3809468, MONDO:0014178, OMIM 615422.
HNRNPA2B1-related disorder. Also called: HNRNPA2B1-related condition.

Allele frequency attached by ClinVar (database versions not stated): ExAC 0.00007; gnomAD 0.00009 and 0.00010; TOPMed 0.00009.
gnomAD v4.1: 103 of 1,613,742 alleles (0.0064%); highest among the groups gnomAD compares: Non-Finnish European, 0.0084%; no homozygotes.

Submissions (4):

Labcorp Genetics (formerly Invitae), Labcorp
Classification: Likely benign for Inclusion body myopathy with early-onset Paget disease with or without frontotemporal dementia 2. Last evaluated: 2025-09-02. Review status: criteria provided, single submitter. Criteria: Invitae Variant Classification Sherloc (09022015). Collection method: clinical testing. Allele origin: germline.

PreventionGenetics, part of Exact Sciences
Classification: Likely benign for HNRNPA2B1-related condition. Last evaluated: 2023-08-28. Review status: no assertion criteria provided. Collection method: clinical testing. Allele origin: germline. Not counted in ClinVar's aggregate classification.
Comment: This variant is classified as likely benign based on ACMG/AMP sequence variant interpretation guidelines (Richards et al. 2015 PMID: 25741868, with internal and published modifications).

Clinical Genetics DNA and cytogenetics Diagnostics Lab, Erasmus MC, Erasmus Medical Center
Classification: Likely benign. Review status: no assertion criteria provided. Collection method: clinical testing. Allele origin: germline. Affected: yes. Study: VKGL Data-share Consensus. Not counted in ClinVar's aggregate classification.

Genome Diagnostics Laboratory, Amsterdam University Medical Center
Classification: Likely benign. Review status: no assertion criteria provided. Collection method: clinical testing. Allele origin: germline. Affected: yes. Study: VKGL Data-share Consensus. Not counted in ClinVar's aggregate classification.

NM_002137.4(HNRNPA2B1):c.984C>A (p.Gly328=)

Gene: HNRNPA2B1 (heterogeneous nuclear ribonucleoprotein A2/B1; minus strand). Cytogenetic location: 7p15.2.
Variant type: single nucleotide variant.
Coding change: c.984C>A on transcript NM_002137.4 (MANE Select); coding-DNA position 984, C replaced by A.
Protein change: p.Gly328=; no amino-acid change (glycine 328 retained).
Molecular consequence: synonymous variant.
Genome position (GRCh38, 1-based): chr7:26,192,558, G>T on the plus strand (C>A on the coding strand, the complement: HNRNPA2B1 is on the minus strand). VCF-style: chr7-26192558-G-T. GRCh37 (hg19) VCF-style: chr7-26232178-G-T.
Other names: c.1020C>A, p.Gly340= (NM_031243.4).
Identifiers: ClinVar variation 705959 (VCV000705959.14), dbSNP rs768943063, ClinGen allele CA4194375.
Genomic context (GRCh38, chr7:26,192,558, plus strand): 5'-TGGCAAATAGGAAGAAGCTCAGTATCGGCTCCTCCCACCATAACCCCCACTTCCTCCACT[G>T]CCTCCTGGACCATAGTTTCCTATAATTGTTGGAACAGCAAGAGAAAACAAACTTACTTTG-3'
Protein context (NP_002128.1, residues 318-338): PYGGGNYGPG[Gly328=]SGGSGGYGGR